The following is an entry in ClinVar:

ClinVar aggregate classification (germline): Uncertain significance (1 of 4 stars; one submission).

Allele frequency attached by ClinVar (database versions not stated): ExAC 0.00003.
gnomAD v4.1: 9 of 1,612,532 alleles (0.00056%); highest among the groups gnomAD compares: East Asian, 0.018%; no homozygotes.

Submission:

Labcorp Genetics (formerly Invitae), Labcorp
Classification: Uncertain significance. Last evaluated: 2024-08-13. Review status: criteria provided, single submitter. Criteria: Invitae Variant Classification Sherloc (09022015). Collection method: clinical testing. Allele origin: germline.
Comment: This sequence change replaces aspartic acid, which is acidic and polar, with asparagine, which is neutral and polar, at codon 336 of the MYO18B protein (p.Asp336Asn). This variant is present in population databases (rs756813274, gnomAD 0.05%). This variant has not been reported in the literature in individuals affected with MYO18B-related conditions. ClinVar contains an entry for this variant (Variation ID: 1908378). An algorithm developed to predict the effect of missense changes on protein structure and function (PolyPhen-2) suggests that this variant is likely to be tolerated. In summary, the available evidence is currently insufficient to determine the role of this variant in disease. Therefore, it has been classified as a Variant of Uncertain Significance.

NM_032608.7(MYO18B):c.1006G>A (p.Asp336Asn)

Gene: MYO18B (myosin XVIIIB; plus strand). Cytogenetic location: 22q12.1.
Variant type: single nucleotide variant.
Coding change: c.1006G>A on transcript NM_032608.7 (MANE Select); coding-DNA position 1006, G replaced by A.
Protein change: p.Asp336Asn; replaces aspartic acid 336 with asparagine.
Molecular consequence: missense variant.
Genome position (GRCh38, 1-based): chr22:25,768,922, G>A. VCF-style: chr22-25768922-G-A. GRCh37 (hg19) VCF-style: chr22-26164889-G-A.
Other names: c.1006G>A, p.Asp336Asn (NM_001318245.2); short protein forms D336N.
Identifiers: ClinVar variation 1908378 (VCV001908378.5), dbSNP rs756813274, ClinGen allele CA10159743.